The following is an entry in ClinVar:

NM_006206.6(PDGFRA):c.1496T>C (p.Val499Ala)

Gene: PDGFRA (platelet derived growth factor receptor alpha; plus strand). Cytogenetic location: 4q12.
Variant type: single nucleotide variant.
Coding change: c.1496T>C on transcript NM_006206.6 (MANE Select); coding-DNA position 1496, T replaced by C.
Protein change: p.Val499Ala; replaces valine 499 with alanine.
Molecular consequence: missense variant.
Genome position (GRCh38, 1-based): chr4:54,273,668, T>C. VCF-style: chr4-54273668-T-C. GRCh37 (hg19) VCF-style: chr4-55139835-T-C.
Other names: c.1496T>C, p.Val499Ala (NM_001347827.2, NM_001347829.2); c.1571T>C, p.Val524Ala (NM_001347828.2); c.1535T>C, p.Val512Ala (NM_001347830.2); short protein forms V499A, V512A, V524A.
Identifiers: ClinVar variation 963501 (VCV000963501.11), dbSNP rs1723540133, ClinGen allele CA356892685.

ClinVar aggregate classification (germline): Uncertain significance. Review status: criteria provided, multiple submitters, no conflicts (2 of 4 stars). 2 submissions from 2 submitters: Uncertain significance (2). Last evaluated 2026-03-12.

Conditions:
Gastrointestinal stromal tumor. Also called: Gastrointestinal stromal tumor, somatic; Gastrointestinal stroma tumor. Identifiers: Orphanet 44890, MedGen C0238198, MeSH D046152, MONDO:0011719, OMIM 606764, HP:0100723.
Hereditary cancer-predisposing syndrome. Also called: Hereditary neoplastic syndrome; Neoplastic Syndromes, Hereditary; Hereditary Cancer Syndrome; Tumor predisposition. Identifiers: Orphanet 140162, MedGen C0027672, MeSH D009386, MONDO:0015356.

Submissions (2):

Ambry Genetics
Classification: Uncertain significance for Hereditary cancer-predisposing syndrome. Last evaluated: 2026-03-12. Review status: criteria provided, single submitter. Criteria: Ambry Variant Classification Scheme 2023. Collection method: clinical testing. Allele origin: germline.
Comment: The p.V499A variant (also known as c.1496T>C), located in coding exon 9 of the PDGFRA gene, results from a T to C substitution at nucleotide position 1496. The valine at codon 499 is replaced by alanine, an amino acid with similar properties. This amino acid position is conserved. In addition, the in silico prediction for this alteration is inconclusive. Based on the available evidence, the clinical significance of this variant remains unclear.

Labcorp Genetics (formerly Invitae), Labcorp
Classification: Uncertain significance for Gastrointestinal stromal tumor. Last evaluated: 2023-08-18. Review status: criteria provided, single submitter. Criteria: Invitae Variant Classification Sherloc (09022015). Collection method: clinical testing. Allele origin: germline.
Comment: This variant has not been reported in the literature in individuals affected with PDGFRA-related conditions. ClinVar contains an entry for this variant (Variation ID: 963501). In summary, the available evidence is currently insufficient to determine the role of this variant in disease. Therefore, it has been classified as a Variant of Uncertain Significance. Advanced modeling of protein sequence and biophysical properties (such as structural, functional, and spatial information, amino acid conservation, physicochemical variation, residue mobility, and thermodynamic stability) performed at Invitae indicates that this missense variant is not expected to disrupt PDGFRA protein function. This variant is not present in population databases (gnomAD no frequency). This sequence change replaces valine, which is neutral and non-polar, with alanine, which is neutral and non-polar, at codon 499 of the PDGFRA protein (p.Val499Ala).